The following is an entry in ClinVar:

ClinVar aggregate classification (germline): Uncertain significance (1 of 4 stars; one submission).

Conditions:
Ataxia-telangiectasia-like disorder (ATLD). Identifiers: MedGen C1858391, MONDO:0011457.

Submission:

Labcorp Genetics (formerly Invitae), Labcorp
Classification: Uncertain significance for Ataxia-telangiectasia-like disorder. Last evaluated: 2021-08-31. Review status: criteria provided, single submitter. Criteria: Invitae Variant Classification Sherloc (09022015). Collection method: clinical testing. Allele origin: germline.
Comment: This sequence change replaces valine with leucine at codon 52 of the MRE11 protein (p.Val52Leu). The valine residue is highly conserved and there is a small physicochemical difference between valine and leucine. This variant is not present in population databases (ExAC no frequency). This variant has not been reported in the literature in individuals affected with MRE11-related conditions. Algorithms developed to predict the effect of missense changes on protein structure and function are either unavailable or do not agree on the potential impact of this missense change (SIFT: "Deleterious"; PolyPhen-2: "Probably Damaging"; Align-GVGD: "Class C0"). Algorithms developed to predict the effect of sequence changes on RNA splicing suggest that this variant may disrupt the consensus splice site. In summary, the available evidence is currently insufficient to determine the role of this variant in disease. Therefore, it has been classified as a Variant of Uncertain Significance.

NM_005591.4(MRE11):c.154G>C (p.Val52Leu)

Gene: MRE11 (MRE11 homolog, double strand break repair nuclease; minus strand). Cytogenetic location: 11q21.
Variant type: single nucleotide variant.
Coding change: c.154G>C on transcript NM_005591.4 (MANE Select); coding-DNA position 154, G replaced by C.
Protein change: p.Val52Leu; replaces valine 52 with leucine.
Molecular consequence: missense variant.
Genome position (GRCh38, 1-based): chr11:94,486,084, C>G on the plus strand (G>C on the coding strand, the complement: MRE11 is on the minus strand). VCF-style: chr11-94486084-C-G. GRCh37 (hg19) VCF-style: chr11-94219250-C-G.
Other names: c.154G>C, p.Val52Leu (NM_001330347.2, NM_005590.4); short protein forms V52L.
Identifiers: ClinVar variation 1063085 (VCV001063085.6), dbSNP rs2135123207, ClinGen allele CA382380005.